The following is an entry in ClinVar:

ClinVar aggregate classification (germline): Uncertain significance (1 of 4 stars; one submission).

Conditions:
X-linked immunodeficiency with magnesium defect, Epstein-Barr virus infection and neoplasia. Identifiers: Orphanet 317476, MedGen C3275445, MONDO:0010455, OMIM 300853.

Submission:

Labcorp Genetics (formerly Invitae), Labcorp
Classification: Uncertain significance for Immunodeficiency, X-Linked, with magnesium defect, Epstein-Barr virus infection, and neoplasia. Last evaluated: 2019-12-21. Review status: criteria provided, single submitter. Criteria: Invitae Variant Classification Sherloc (09022015). Collection method: clinical testing. Allele origin: germline.
Comment: This variant results in a copy number gain of the genomic region encompassing exons 2-10 of the MAGT1 gene. The 5' boundary is likely confined to intron 1. The 3' end of this event is unknown as it extends beyond the assayed region for this gene and therefore may encompass additional genes. As the precise location of this event is unknown, it may be in tandem or it may be located elsewhere in the genome. This variant has not been reported in the literature in individuals with MAGT1-related disease. Experimental studies and prediction algorithms are not available for this variant, and the functional significance of the duplicated amino acids is currently unknown. In summary, the available evidence is currently insufficient to determine the role of this variant in disease. Therefore, it has been classified as a Variant of Uncertain Significance.

NC_000023.10:g.(?_77084697)_(77131114_?)dup

Gene: MAGT1 (magnesium transporter 1; minus strand). Cytogenetic location: Xq21.1.
Variant type: Duplication.
Identifiers: ClinVar variation 539317 (VCV000539317.3).